The following is an entry in ClinVar:

NM_004006.3(DMD):c.881C>T (p.Pro294Leu)

Gene: DMD (dystrophin; minus strand). Cytogenetic location: Xp21.1.
Variant type: single nucleotide variant.
Coding change: c.881C>T on transcript NM_004006.3 (MANE Select); coding-DNA position 881, C replaced by T.
Protein change: p.Pro294Leu; replaces proline 294 with leucine.
Molecular consequence: missense variant.
Genome position (GRCh38, 1-based): chrX:32,697,949, G>A on the plus strand (C>T on the coding strand, the complement: DMD is on the minus strand). VCF-style: chrX-32697949-G-A. GRCh37 (hg19) VCF-style: chrX-32716066-G-A.
Other names: c.857C>T, p.Pro286Leu (NM_000109.4); c.869C>T, p.Pro290Leu (NM_004009.3); c.512C>T, p.Pro171Leu (NM_004010.3); c.881C>T (NM_004006.2); short protein forms P171L, P286L, P290L, P294L.
Identifiers: ClinVar variation 1015076 (VCV001015076.11), dbSNP rs2063777083, ClinGen allele CA412668607.
Genomic context (GRCh38, chrX:32,697,949, plus strand): 5'-CGTGTAGGGTCAGAGGTGGTGACATAAGCAGCCTGTGTGTAGGCATAGCTCTTGAATCGA[G>A]GCTTAGGGGAAGAAGTTCTCTCATATCCCTGTGCTAGACTGACCGTGATCTGCAGAGAAG-3'
Protein context (NP_003997.2, residues 284-304): QGYERTSSPK[Pro294Leu]RFKSYAYTQA

ClinVar aggregate classification (germline): Uncertain significance. Review status: criteria provided, multiple submitters, no conflicts (2 of 4 stars). 6 submissions from 6 submitters: Uncertain significance (5). 1 of the submissions does not count toward it. Last evaluated 2026-02-11.

Conditions:
Cardiovascular phenotype. Identifiers: MedGen CN230736.
Duchenne muscular dystrophy (DMD). Also called: MUSCULAR DYSTROPHY, PSEUDOHYPERTROPHIC PROGRESSIVE, DUCHENNE TYPE; Duchenne Muscular Dystrophy (DMD). Identifiers: Orphanet 98896, MedGen C0013264, MONDO:0010679, OMIM 310200.
Dystrophin deficiency.
Becker muscular dystrophy (BMD). Also called: MUSCULAR DYSTROPHY, PSEUDOHYPERTROPHIC PROGRESSIVE, BECKER TYPE; Becker Muscular Dystrophy (BMD). Identifiers: Orphanet 98895, MedGen C0917713, MONDO:0010311, OMIM 300376.
Cardiomyopathy (CMYO). Also called: Cardiomyopathies. Identifiers: Orphanet 167848, MedGen C0878544, MONDO:0004994, HP:0001638. Inheritance: Various modes of inheritance.

gnomAD v4.1: 4 of 1,205,719 alleles (0.00033%); highest among the groups gnomAD compares: East Asian, 0.003%; no homozygotes.

Submissions (6):

Women's Health and Genetics/Laboratory Corporation of America, LabCorp
Classification: Uncertain significance. Last evaluated: 2026-02-11. Review status: criteria provided, single submitter. Criteria: LabCorp Variant Classification Summary - May 2015. Collection method: clinical testing. Allele origin: germline.
Comment: Variant summary: DMD c.881C>T (p.Pro294Leu) results in a non-conservative amino acid change in the encoded protein sequence. Algorithms developed to predict the effect of missense changes on protein structure and function are either unavailable or do not agree on the potential impact of this missense change. The variant was absent in 172694 control chromosomes. The available data on variant occurrences in the general population are insufficient to allow any conclusion about variant significance. To our knowledge, no occurrence of c.881C>T in individuals affected with DMD-related conditions and no experimental evidence demonstrating its impact on protein function have been reported. ClinVar contains an entry for this variant (Variation ID: 1015076). Based on the evidence outlined above, the variant was classified as uncertain significance.

Labcorp Genetics (formerly Invitae), Labcorp
Classification: Uncertain significance for Duchenne muscular dystrophy. Last evaluated: 2024-02-24. Review status: criteria provided, single submitter. Criteria: Invitae Variant Classification Sherloc (09022015). Collection method: clinical testing. Allele origin: germline.
Comment: This sequence change replaces proline, which is neutral and non-polar, with leucine, which is neutral and non-polar, at codon 294 of the DMD protein (p.Pro294Leu). This variant is not present in population databases (gnomAD no frequency). This variant has not been reported in the literature in individuals affected with DMD-related conditions. ClinVar contains an entry for this variant (Variation ID: 1015076). Advanced modeling of protein sequence and biophysical properties (such as structural, functional, and spatial information, amino acid conservation, physicochemical variation, residue mobility, and thermodynamic stability) performed at Invitae indicates that this missense variant is not expected to disrupt DMD protein function with a negative predictive value of 95%. In summary, the available evidence is currently insufficient to determine the role of this variant in disease. Therefore, it has been classified as a Variant of Uncertain Significance.

Institute for Clinical Genetics, University Hospital TU Dresden, University Hospital TU Dresden
Classification: Uncertain significance. Last evaluated: 2022-12-09. Review status: criteria provided, single submitter. Criteria: ACMG Guidelines, 2015. Collection method: clinical testing. Allele origin: germline.
Comment: PM2_SUP

Ambry Genetics
Classification: Uncertain significance for Cardiovascular phenotype. Last evaluated: 2022-07-19. Review status: criteria provided, single submitter. Criteria: Ambry Variant Classification Scheme 2023. Collection method: clinical testing. Allele origin: germline.
Comment: The p.P294L variant (also known as c.881C>T), located in coding exon 9 of the DMD gene, results from a C to T substitution at nucleotide position 881. The proline at codon 294 is replaced by leucine, an amino acid with similar properties. This amino acid position is highly conserved in available vertebrate species. In addition, the in silico prediction for this alteration is inconclusive. Since supporting evidence is limited at this time, the clinical significance of this alteration remains unclear.

Athena Diagnostics
Classification: Uncertain significance. Last evaluated: 2022-06-21. Review status: criteria provided, single submitter. Criteria: Athena Diagnostics Criteria. Collection method: clinical testing. Allele origin: unknown.

Natera, Inc.
Classification: Uncertain significance for Becker muscular dystrophy; Cardiomyopathy; Duchenne muscular dystrophy; Dystrophin deficiency. Last evaluated: 2020-06-29. Review status: no assertion criteria provided. Collection method: clinical testing. Allele origin: germline. Not counted in ClinVar's aggregate classification.